The following is an entry in ClinVar:

NM_002381.5(MATN3):c.788G>T (p.Cys263Phe)

Gene: MATN3 (matrilin 3; minus strand). Cytogenetic location: 2p24.1.
Variant type: single nucleotide variant.
Coding change: c.788G>T on transcript NM_002381.5 (MANE Select); coding-DNA position 788, G replaced by T.
Protein change: p.Cys263Phe; replaces cysteine 263 with phenylalanine.
Molecular consequence: missense variant.
Genome position (GRCh38, 1-based): chr2:20,005,746, C>A on the plus strand (G>T on the coding strand, the complement: MATN3 is on the minus strand). VCF-style: chr2-20005746-C-A. GRCh37 (hg19) VCF-style: chr2-20205507-C-A.
Other names: short protein forms C263F.
Identifiers: ClinVar variation 2007858 (VCV002007858.4), dbSNP rs2527702365, ClinGen allele CA345950353.

ClinVar aggregate classification (germline): Uncertain significance (1 of 4 stars; one submission).

Submission:

Labcorp Genetics (formerly Invitae), Labcorp
Classification: Uncertain significance. Last evaluated: 2024-11-05. Review status: criteria provided, single submitter. Criteria: Invitae Variant Classification Sherloc (09022015). Collection method: clinical testing. Allele origin: germline.
Comment: This sequence change replaces cysteine, which is neutral and slightly polar, with phenylalanine, which is neutral and non-polar, at codon 263 of the MATN3 protein (p.Cys263Phe). This variant is not present in population databases (gnomAD no frequency). This variant has not been reported in the literature in individuals affected with MATN3-related conditions. ClinVar contains an entry for this variant (Variation ID: 2007858). An algorithm developed to predict the effect of missense changes on protein structure and function (PolyPhen-2) suggests that this variant is likely to be disruptive. In summary, the available evidence is currently insufficient to determine the role of this variant in disease. Therefore, it has been classified as a Variant of Uncertain Significance.